The following is an entry in ClinVar:

ClinVar aggregate classification (germline): Likely benign. Review status: criteria provided, single submitter (1 of 4 stars). 2 submissions from 2 submitters: Likely benign (1). 1 of the submissions does not count toward it. Last evaluated 2025-01-03.

Conditions:
CAPN5-related disorder. Also called: CAPN5-related condition.

Allele frequency attached by ClinVar (database versions not stated): gnomAD 0.00001; gnomAD exomes 0.00002; TOPMed 0.00002.
gnomAD v4.1: 24 of 1,612,868 alleles (0.0015%); highest among the groups gnomAD compares: Non-Finnish European, 0.0019%; no homozygotes.

Submissions (2):

Labcorp Genetics (formerly Invitae), Labcorp
Classification: Likely benign. Last evaluated: 2025-01-03. Review status: criteria provided, single submitter. Criteria: Invitae Variant Classification Sherloc (09022015). Collection method: clinical testing. Allele origin: germline.

PreventionGenetics, part of Exact Sciences
Classification: Likely benign for CAPN5-related condition. Last evaluated: 2020-03-25. Review status: no assertion criteria provided. Collection method: clinical testing. Allele origin: germline. Not counted in ClinVar's aggregate classification.
Comment: This variant is classified as likely benign based on ACMG/AMP sequence variant interpretation guidelines (Richards et al. 2015 PMID: 25741868, with internal and published modifications).

NM_004055.5(CAPN5):c.1740+7C>A

Gene: CAPN5 (calpain 5; plus strand). Cytogenetic location: 11q13.5.
Variant type: single nucleotide variant.
Coding change: c.1740+7C>A on transcript NM_004055.5 (MANE Select); 7 bases into the intron after coding-DNA position 1740, C replaced by A.
Molecular consequence: intron variant.
Genome position (GRCh38, 1-based): chr11:77,122,719, C>A. VCF-style: chr11-77122719-C-A. GRCh37 (hg19) VCF-style: chr11-76833765-C-A.
Other names: c.1740+7C>A (NM_004055.4).
Identifiers: ClinVar variation 1907701 (VCV001907701.7), dbSNP rs1398049679, ClinGen allele CA600341625.